The following is an entry in ClinVar:

NM_015272.5(RPGRIP1L):c.279G>C (p.Glu93Asp)

Gene: RPGRIP1L (RPGRIP1 like; minus strand). Cytogenetic location: 16q12.2.
Variant type: single nucleotide variant.
Coding change: c.279G>C on transcript NM_015272.5 (MANE Select); coding-DNA position 279, G replaced by C.
Protein change: p.Glu93Asp; replaces glutamic acid 93 with aspartic acid.
Molecular consequence: missense variant.
Genome position (GRCh38, 1-based): chr16:53,692,316, C>G on the plus strand (G>C on the coding strand, the complement: RPGRIP1L is on the minus strand). VCF-style: chr16-53692316-C-G. GRCh37 (hg19) VCF-style: chr16-53726228-C-G.
Other names: c.279G>C (NM_015272.4, NM_015272.2); c.279G>C, p.Glu93Asp (NM_001127897.4, NM_001308334.3, NM_001330538.2); short protein forms E93D.
Identifiers: ClinVar variation 1049648 (VCV001049648.8), dbSNP rs762264695, ClinGen allele CA8058148.

ClinVar aggregate classification (germline): Uncertain significance. Review status: criteria provided, multiple submitters, no conflicts (2 of 4 stars). 5 submissions from 5 submitters: Uncertain significance (3). 2 of the submissions do not count toward it. Last evaluated 2025-09-09.

Conditions:
RPGRIP1L-related disorder. Also called: RPGRIP1L-related disorders; RPGRIP1L-related condition. Identifiers: MedGen CN239416.
Inborn genetic diseases. Identifiers: MedGen C0950123, MeSH D030342.
Joubert syndrome. Also called: JOUBERT-BOLTSHAUSER SYNDROME; Familial aplasia of the vermis. Identifiers: Orphanet 475, MedGen C5979921, MONDO:0018772.
Meckel-Gruber syndrome. Also called: DYSENCEPHALIA SPLANCHNOCYSTICA; GRUBER SYNDROME; Dysencephalia splachnocystica. Identifiers: Orphanet 564, MedGen C0265215, MONDO:0018921.

Allele frequency attached by ClinVar (database versions not stated): TOPMed 0.00004; ExAC 0.00001; gnomAD 0.00005 and 0.00006; gnomAD exomes 0.00001 and 0.00002.
gnomAD v4.1: 18 of 1,614,014 alleles (0.0011%); highest among the groups gnomAD compares: African/African-American, 0.019%; no homozygotes.

Submissions (5):

Ambry Genetics
Classification: Uncertain significance for Inborn genetic diseases. Last evaluated: 2025-09-09. Review status: criteria provided, single submitter. Criteria: Ambry Variant Classification Scheme 2023. Collection method: clinical testing. Allele origin: germline.

Labcorp Genetics (formerly Invitae), Labcorp
Classification: Uncertain significance for Joubert syndrome; Meckel-Gruber syndrome. Last evaluated: 2024-02-26. Review status: criteria provided, single submitter. Criteria: Invitae Variant Classification Sherloc (09022015). Collection method: clinical testing. Allele origin: germline.
Comment: This sequence change replaces glutamic acid, which is acidic and polar, with aspartic acid, which is acidic and polar, at codon 93 of the RPGRIP1L protein (p.Glu93Asp). This variant is present in population databases (rs762264695, gnomAD 0.02%). This variant has not been reported in the literature in individuals affected with RPGRIP1L-related conditions. ClinVar contains an entry for this variant (Variation ID: 1049648). Advanced modeling of protein sequence and biophysical properties (such as structural, functional, and spatial information, amino acid conservation, physicochemical variation, residue mobility, and thermodynamic stability) performed at Invitae indicates that this missense variant is not expected to disrupt RPGRIP1L protein function with a negative predictive value of 80%. In summary, the available evidence is currently insufficient to determine the role of this variant in disease. Therefore, it has been classified as a Variant of Uncertain Significance.

GeneDx
Classification: Uncertain significance. Last evaluated: 2023-12-12. Review status: criteria provided, single submitter. Criteria: GeneDx Variant Classification Process June 2021. Collection method: clinical testing. Allele origin: germline. Affected: yes.
Comment: In silico analysis supports that this missense variant does not alter protein structure/function; Has not been previously published as pathogenic or benign to our knowledge

PreventionGenetics, part of Exact Sciences
Classification: Uncertain significance for RPGRIP1L-related condition. Last evaluated: 2024-08-06. Review status: no assertion criteria provided. Collection method: clinical testing. Allele origin: germline. Not counted in ClinVar's aggregate classification.
Comment: The RPGRIP1L c.279G>C variant is predicted to result in the amino acid substitution p.Glu93Asp. To our knowledge, this variant has not been reported in the literature. This variant is reported in 0.028% of alleles in individuals of African descent in gnomAD. At this time, the clinical significance of this variant is uncertain due to the absence of conclusive functional and genetic evidence.

Department of Pathology and Laboratory Medicine, Sinai Health System
Classification: Uncertain significance. Review status: no assertion criteria provided. Collection method: clinical testing. Allele origin: unknown. Affected: yes. Study: The Canadian Open Genetics Repository (COGR). Not counted in ClinVar's aggregate classification.
Comment: The RPGRIP1L p.E93D variant was not identified in the literature nor was it identified in ClinVar. The variant was identified in dbSNP (ID: rs762264695) and in control databases in 8 of 282320 chromosomes at a frequency of 0.00002834, and was observed at the highest frequency in the African population in 7 of 24714 chromosomes (freq: 0.0002832) (Genome Aggregation Database March 6, 2019, v2.1.1). The p.E93 residue is conserved in mammals however computational analyses (MUT Assesor, PolyPhen-2, SIFT, MutationTaster, Revel, FATHMM, MetaLR, DANN) do not suggest a high likelihood of impact to the protein; this information is not very predictive of pathogenicity. The variant occurs outside of the splicing consensus sequence and in silico or computational prediction software programs (Splice AI exome) do not predict a difference in splicing. In summary, based on the above information the clinical significance of this variant cannot be determined with certainty at this time. This variant is classified as a variant of uncertain significance.